The following is an entry in ClinVar:

ClinVar aggregate classification (germline): Uncertain significance. Review status: criteria provided, multiple submitters, no conflicts (2 of 4 stars). 2 submissions from 2 submitters: Uncertain significance (2). Last evaluated 2024-11-21.

Conditions:
Osteogenesis imperfecta type I (OI1). Also called: OI, TYPE I; OSTEOGENESIS IMPERFECTA TARDA; OSTEOGENESIS IMPERFECTA WITH BLUE SCLERAE; Lobstein's Disease; Classic Non-deforming Osteogenesis Imperfecta with Blue Sclerae; Lobstein disease. Identifiers: Orphanet 216796, Orphanet 666, MedGen C0023931, MONDO:0008146, OMIM 166200. Disease mechanism: loss of function.
Ehlers-Danlos syndrome, classic type, 1 (EDSCL1). Also called: Ehlers-Danlos Syndrome, Classic Type, COL5A1-Related; EDS I; Ehlers-Danlos syndrome, type 1; EHLERS-DANLOS SYNDROME, GRAVIS TYPE; EHLERS-DANLOS SYNDROME, SEVERE CLASSIC TYPE. Identifiers: MedGen C0268335, MONDO:0019567, OMIM 130000.
Connective tissue disorder. Also called: Connective tissue disease. Identifiers: MedGen C0009782, MONDO:0003900.

Submissions (2):

Labcorp Genetics (formerly Invitae), Labcorp
Classification: Uncertain significance for Osteogenesis imperfecta type I; Ehlers-Danlos syndrome, classic type, 1. Last evaluated: 2024-11-21. Review status: criteria provided, single submitter. Criteria: Invitae Variant Classification Sherloc (09022015). Collection method: clinical testing. Allele origin: germline.
Comment: This sequence change replaces glutamine, which is neutral and polar, with arginine, which is basic and polar, at codon 1237 of the COL1A2 protein (p.Gln1237Arg). This variant is not present in population databases (gnomAD no frequency). This variant has not been reported in the literature in individuals affected with COL1A2-related conditions. ClinVar contains an entry for this variant (Variation ID: 547244). Experimental studies and prediction algorithms are not available or were not evaluated, and the functional significance of this variant is currently unknown. In summary, the available evidence is currently insufficient to determine the role of this variant in disease. Therefore, it has been classified as a Variant of Uncertain Significance.

Center for Human Genetics, Inc
Classification: Uncertain significance for Connective tissue disorder. Last evaluated: 2016-11-01. Review status: criteria provided, single submitter. Criteria: ACMG Guidelines, 2015. Collection method: clinical testing. Allele origin: germline. Affected: yes.

NM_000089.4(COL1A2):c.3710A>G (p.Gln1237Arg)

Gene: COL1A2 (collagen type I alpha 2 chain; plus strand). Cytogenetic location: 7q21.3.
Variant type: single nucleotide variant.
Coding change: c.3710A>G on transcript NM_000089.4 (MANE Select); coding-DNA position 3710, A replaced by G.
Protein change: p.Gln1237Arg; replaces glutamine 1237 with arginine.
Molecular consequence: missense variant.
Genome position (GRCh38, 1-based): chr7:94,428,476, A>G. VCF-style: chr7-94428476-A-G. GRCh37 (hg19) VCF-style: chr7-94057788-A-G.
Other names: short protein forms Q1237R.
Identifiers: ClinVar variation 547244 (VCV000547244.3), dbSNP rs1554398713, ClinGen allele CA368226568.